The following is an entry in ClinVar:

ClinVar aggregate classification (germline): Likely pathogenic (1 of 4 stars; one submission).

Conditions:
Hereditary spastic paraplegia 4. Also called: Spastic Paraplegia 4; Familial spastic paraplegia autosomal dominant 2; Spastic paraplegia 4, autosomal dominant. Identifiers: Orphanet 100985, MedGen C1866855, MONDO:0008438, OMIM 182601.

Submission:

Laboratory of Medical Genetics, National & Kapodistrian University of Athens
Classification: Likely pathogenic for Hereditary spastic paraplegia 4. Last evaluated: 2023-05-31. Review status: criteria provided, single submitter. Criteria: ACMG Guidelines, 2015. Collection method: clinical testing. Allele origin: germline. Affected: yes.
Comment: PVS1, PM2

NM_001083962.2(TCF4):c.1146+2T>C

Gene: TCF4 (transcription factor 4; minus strand). Cytogenetic location: 18q21.2.
Variant type: single nucleotide variant.
Coding change: c.1146+2T>C on transcript NM_001083962.2 (MANE Select); the canonical splice donor site of the intron after coding-DNA position 1146, T replaced by C.
Molecular consequence: splice donor variant.
Genome position (GRCh38, 1-based): chr18:55,257,313, A>G on the plus strand (T>C on the coding strand, the complement: TCF4 is on the minus strand). VCF-style: chr18-55257313-A-G. GRCh37 (hg19) VCF-style: chr18-52924544-A-G.
Other names: c.1452+2T>C (NM_001243226.3); c.1071+2T>C (NM_001369584.1, NM_001369576.1, NM_001369577.1 and 6 more transcripts); c.1074+2T>C (NM_001369582.1, NM_001243227.2, NM_001369583.1 and 5 more transcripts); c.1077+2T>C (NM_001369586.1); c.1146+2T>C (NM_001369571.1, NM_001369567.1, NM_001369572.1 and 2 more transcripts); c.1164+2T>C (NM_001243228.2); c.1137+2T>C (NM_001243230.2); c.1143+2T>C (NM_001369569.1, NM_001369573.1, NM_001369570.1 and 2 more transcripts); and 6 more.
Identifiers: ClinVar variation 2572613 (VCV002572613.1), dbSNP rs2512178559, ClinGen allele CA402534122.